The following is an entry in ClinVar:

ClinVar aggregate classification (germline): Uncertain significance. Review status: criteria provided, multiple submitters, no conflicts (2 of 4 stars). 2 submissions from 2 submitters: Uncertain significance (2). Last evaluated 2024-04-26.

Conditions:
Bardet-Biedl syndrome 9 (BBS9). Identifiers: Orphanet 110, MedGen C1859567, MONDO:0014437, OMIM 615986.

gnomAD v4.1: 9 of 1,614,150 alleles (0.00056%); highest among the groups gnomAD compares: East Asian, 0.016%; no homozygotes.

Submissions (2):

Fulgent Genetics
Classification: Uncertain significance for Bardet-Biedl syndrome 9. Last evaluated: 2024-04-26. Review status: criteria provided, single submitter. Criteria: ACMG Guidelines, 2015. Collection method: clinical testing. Allele origin: germline.

Juno Genomics, Hangzhou Juno Genomics, Inc
Classification: Uncertain significance for Bardet-Biedl syndrome 9. Review status: criteria provided, single submitter. Criteria: ACMG Guidelines, 2015. Collection method: clinical testing. Allele origin: germline.
Comment: Absent from controls (or at extremely low frequency if recessive) in Genome Aggregation Database.;Multiple lines of computational evidence support a deleterious effect on the gene or gene product.

NM_198428.3(BBS9):c.2464G>C (p.Gly822Arg)

Gene: BBS9 (Bardet-Biedl syndrome 9; plus strand). Cytogenetic location: 7p14.3.
Variant type: single nucleotide variant.
Coding change: c.2464G>C on transcript NM_198428.3 (MANE Select); coding-DNA position 2464, G replaced by C.
Protein change: p.Gly822Arg; replaces glycine 822 with arginine.
Molecular consequence: missense variant. On other transcripts: non-coding transcript variant (3).
Genome position (GRCh38, 1-based): chr7:33,534,119, G>C. VCF-style: chr7-33534119-G-C. GRCh37 (hg19) VCF-style: chr7-33573731-G-C.
Other names: c.2359G>C, p.Gly787Arg (NM_001033604.2); c.2449G>C, p.Gly817Arg (NM_001033605.2); c.2464G>C, p.Gly822Arg (NM_001348036.1, NM_001348041.4, NM_001348043.3 and 1 more transcripts); c.1915G>C, p.Gly639Arg (NM_001348037.3); c.2191G>C, p.Gly731Arg (NM_001348038.3); c.2086G>C, p.Gly696Arg (NM_001348039.3); c.2344G>C, p.Gly782Arg (NM_001348040.3, NM_014451.4); c.2329G>C, p.Gly777Arg (NM_001348042.3); and 2 more; short protein forms G817R, G822R, G700R, G777R, G787R, G665R, G696R, G639R.
Identifiers: ClinVar variation 3594586 (VCV003594586.3).